The following is an entry in ClinVar:

NM_000094.4(COL7A1):c.4342-2A>G

Gene: COL7A1 (collagen type VII alpha 1 chain; minus strand). Cytogenetic location: 3p21.31.
Variant type: single nucleotide variant.
Coding change: c.4342-2A>G on transcript NM_000094.4 (MANE Select); the canonical splice acceptor site of the intron before coding-DNA position 4342, A replaced by G.
Molecular consequence: splice acceptor variant.
Genome position (GRCh38, 1-based): chr3:48,583,617, T>C on the plus strand (A>G on the coding strand, the complement: COL7A1 is on the minus strand). VCF-style: chr3-48583617-T-C. GRCh37 (hg19) VCF-style: chr3-48621050-T-C.
Identifiers: ClinVar variation 1676619 (VCV001676619.2), dbSNP rs2107727475, ClinGen allele CA352693056.

ClinVar aggregate classification (germline): Pathogenic. Review status: criteria provided, multiple submitters, no conflicts (2 of 4 stars). 2 submissions from 2 submitters: Pathogenic (2). Last evaluated 2025-12-04.

Conditions:
Epidermolysis bullosa dystrophica. Also called: Dystrophic epidermolysis bullosa, Hallopeau-Siemens type (formerly); Dystrophic epidermolysis bullosa. Identifiers: Orphanet 303, MedGen C0079294, MONDO:0006543.
Recessive dystrophic epidermolysis bullosa (RDEB). Also called: Hallopeau-Siemens Disease; DYSTROPHIC EPIDERMOLYSIS BULLOSA, AUTOSOMAL RECESSIVE; EPIDERMOLYSIS BULLOSA DYSTROPHICA, HALLOPEAU-SIEMENS TYPE; EPIDERMOLYSIS BULLOSA DYSTROPHICA, GENERALIZED SEVERE, AUTOSOMAL RECESSIVE; epidermolysis bullosa dystrophica, autosomal recessive; Recessive DEB (RDEB). Identifiers: Orphanet 79408, Orphanet 79409, MedGen C0079474, MONDO:0009179, OMIM 226600.

Submissions (2):

Natera, Inc.
Classification: Pathogenic for Dystrophic epidermolysis bullosa. Last evaluated: 2025-12-04. Review status: criteria provided, single submitter. Criteria: Natera Variant Classification Schema (03/2026). Collection method: clinical testing. Allele origin: germline.
Comment: The c.4342-2A>G variant in COL7A1 is a canonical splice acceptor site variant predicted to affect pre-mRNA splicing, which may result in an abnormal transcript and altered protein product. This variant may result in a truncated or dysfunctional protein product. This variant is rare in the general population with a frequency below the threshold expected for the associated phenotype(s). This variant has been observed in one or more individuals affected with the associated recessive disease, as either homozygous or compound heterozygous with a second variant (PMID: 36964991, 35979658, 29753707). Another variant at this same site results in an alteration predicted to cause a similar molecular effect has been observed in individual(s) with the associated phenotype. Given the available evidence, this variant is classified as Pathogenic.

Center for Research in Genodermatoses and Epidermolysis Bullosa, University of Buenos Aires
Classification: Pathogenic for Recessive dystrophic epidermolysis bullosa. Last evaluated: 2022-03-14. Review status: criteria provided, single submitter. Criteria: ACMG Guidelines, 2015. Collection method: clinical testing. Allele origin: maternal. Affected: yes. Observed: 1 variant allele, 1 compound heterozygote.

Literature cited by the submitters: PubMed 36964991 (cited by Natera, Inc.); PubMed 35979658 (cited by Natera, Inc. and Center for Research in Genodermatoses and Epidermolysis Bullosa, University of Buenos Aires); PubMed 29753707 (cited by Natera, Inc.); PubMed 22209565 (cited by Center for Research in Genodermatoses and Epidermolysis Bullosa, University of Buenos Aires).